The following is an entry in ClinVar:

ClinVar aggregate classification (germline): Benign/Likely benign. Review status: criteria provided, multiple submitters, no conflicts (2 of 4 stars). 4 submissions from 4 submitters: Benign (1); Likely benign (3). Last evaluated 2026-01-25.

Conditions:
Hereditary cancer-predisposing syndrome. Also called: Neoplastic Syndromes, Hereditary; Hereditary Cancer Syndrome; Hereditary neoplastic syndrome; Tumor predisposition. Identifiers: Orphanet 140162, MedGen C0027672, MeSH D009386, MONDO:0015356.
Familial cancer of breast. Also called: BREAST CANCER, FAMILIAL; Hereditary breast cancer; hereditary breast carcinoma. Identifiers: Orphanet 227535, MedGen C0346153, MONDO:0016419, OMIM 114480. Disease mechanism: loss of function.

Submissions (4):

Women's Health and Genetics/Laboratory Corporation of America, LabCorp
Classification: Likely benign. Last evaluated: 2026-01-25. Review status: criteria provided, single submitter. Criteria: LabCorp Variant Classification Summary - May 2015. Collection method: clinical testing. Allele origin: germline.

Labcorp Genetics (formerly Invitae), Labcorp
Classification: Likely benign for Familial cancer of breast. Last evaluated: 2025-06-09. Review status: criteria provided, single submitter. Criteria: Invitae Variant Classification Sherloc (09022015). Collection method: clinical testing. Allele origin: germline.

Myriad Genetics, Inc.
Classification: Benign for Familial cancer of breast. Last evaluated: 2025-01-14. Review status: criteria provided, single submitter. Criteria: Myriad Autosomal Dominant, Autosomal Recessive and X-Linked Classification Criteria (2023). Collection method: clinical testing. Allele origin: unknown.
Comment: This variant is considered benign. This variant is a silent/synonymous amino acid change and it is not expected to impact splicing.

Ambry Genetics
Classification: Likely benign for Hereditary cancer-predisposing syndrome. Last evaluated: 2021-06-15. Review status: criteria provided, single submitter. Criteria: Ambry Variant Classification Scheme 2023. Collection method: clinical testing. Allele origin: germline.

NM_024675.4(PALB2):c.1518A>G (p.Gln506=)

Gene: PALB2 (partner and localizer of BRCA2; minus strand). Cytogenetic location: 16p12.2.
Variant type: single nucleotide variant.
Coding change: c.1518A>G on transcript NM_024675.4 (MANE Select); coding-DNA position 1518, A replaced by G.
Protein change: p.Gln506=; no amino-acid change (glutamine 506 retained).
Molecular consequence: synonymous variant.
Genome position (GRCh38, 1-based): chr16:23,635,028, T>C on the plus strand (A>G on the coding strand, the complement: PALB2 is on the minus strand). VCF-style: chr16-23635028-T-C. GRCh37 (hg19) VCF-style: chr16-23646349-T-C.
Identifiers: ClinVar variation 460899 (VCV000460899.17), dbSNP rs1555461234, ClinGen allele CA494461316.